The following is an entry in ClinVar:

NM_018136.5(ASPM):c.1877_1878del (p.Lys626fs)

Gene: ASPM (assembly factor for spindle microtubules; minus strand). Cytogenetic location: 1q31.3.
Variant type: Deletion.
Coding change: c.1877_1878del on transcript NM_018136.5 (MANE Select); coding-DNA positions 1877 to 1878, 2 bases deleted (AA; older notation c.1877_1878delAA).
Protein change: p.Lys626fs; shifts the reading frame from lysine 626.
Molecular consequence: frameshift variant.
Genome position (GRCh38, 1-based): chr1:197,142,374-197,142,375, TT deleted on the plus strand (AA on the coding strand, the reverse complement: ASPM is on the minus strand); deleting any 2 consecutive bases within chr1:197,142,374-197,142,377 gives the same sequence; the c. name uses the placement nearest the transcript's 3' end. VCF-style (leftmost placement, unchanged base first): chr1-197142373-GTT-G. GRCh37 (hg19) VCF-style: chr1-197111503-GTT-G.
Other names: c.1877_1878del, p.Lys626fs (NM_001206846.2); short protein forms K626fs.
Identifiers: ClinVar variation 4722409 (VCV004722409.1).

ClinVar aggregate classification (germline): Pathogenic (1 of 4 stars; one submission).

Submission:

Labcorp Genetics (formerly Invitae), Labcorp
Classification: Pathogenic. Last evaluated: 2025-06-30. Review status: criteria provided, single submitter. Criteria: Invitae Variant Classification Sherloc (09022015). Collection method: clinical testing. Allele origin: germline.
Comment: This sequence change creates a premature translational stop signal (p.Lys626Thrfs*3) in the ASPM gene. It is expected to result in an absent or disrupted protein product. Loss-of-function variants in ASPM are known to be pathogenic (PMID: 19028728, 23611254). This variant is not present in population databases (gnomAD no frequency). This variant has not been reported in the literature in individuals affected with ASPM-related conditions. For these reasons, this variant has been classified as Pathogenic.

Literature cited by the submitters: PubMed 19028728; PubMed 23611254.